The following is an entry in ClinVar:

ClinVar aggregate classification (germline): Uncertain significance. Review status: criteria provided, multiple submitters, no conflicts (2 of 4 stars). 2 submissions from 2 submitters: Uncertain significance (2). Last evaluated 2025-05-12.

Conditions:
Hereditary cancer-predisposing syndrome. Also called: Neoplastic Syndromes, Hereditary; Tumor predisposition; Hereditary Cancer Syndrome; Hereditary neoplastic syndrome. Identifiers: Orphanet 140162, MedGen C0027672, MeSH D009386, MONDO:0015356.
Familial adenomatous polyposis 1 (FAP1). Also called: FAMILIAL ADENOMATOUS POLYPOSIS 1, ATTENUATED; POLYPOSIS, ADENOMATOUS INTESTINAL. Identifiers: MedGen C2713442, MONDO:0021056, OMIM 175100. Disease mechanism: loss of function.

gnomAD v4.1: 1 of 1,614,022 alleles (0.000062%); highest among the groups gnomAD compares: Admixed American, 0.0017%; no homozygotes.

Submissions (2):

Ambry Genetics
Classification: Uncertain significance for Hereditary cancer-predisposing syndrome. Last evaluated: 2025-05-12. Review status: criteria provided, single submitter. Criteria: Ambry Variant Classification Scheme 2023. Collection method: clinical testing. Allele origin: germline.
Comment: The p.S130C variant (also known as c.388A>T), located in coding exon 3 of the APC gene, results from an A to T substitution at nucleotide position 388. The serine at codon 130 is replaced by cysteine, an amino acid with dissimilar properties. This amino acid position is not well conserved in available vertebrate species. In addition, in silico predictors for this gene do not accurately predict pathogenicity. Missense alterations in APC are not a common cause of disease (Spier I et al. Genet Med. 2024 Feb;26(2):100992). Based on the available evidence, the clinical significance of this variant remains unclear.

Baylor Genetics
Classification: Uncertain significance for Familial adenomatous polyposis 1. Last evaluated: 2023-10-30. Review status: criteria provided, single submitter. Criteria: ACMG Guidelines, 2015. Collection method: clinical testing. Allele origin: unknown.

NM_000038.6(APC):c.388A>T (p.Ser130Cys)

Gene: APC (APC regulator of Wnt signaling pathway; plus strand). Cytogenetic location: 5q22.2.
Variant type: single nucleotide variant.
Coding change: c.388A>T on transcript NM_000038.6 (MANE Select); coding-DNA position 388, A replaced by T.
Protein change: p.Ser130Cys; replaces serine 130 with cysteine.
Molecular consequence: missense variant. On other transcripts: 5 prime UTR variant (4), non-coding transcript variant (2).
Genome position (GRCh38, 1-based): chr5:112,767,356, A>T. VCF-style: chr5-112767356-A-T. GRCh37 (hg19) VCF-style: chr5-112103053-A-T.
Other names: c.388A>T, p.Ser130Cys (NM_001127510.3, NM_001354895.2, NM_001354896.2 and 16 more transcripts); c.418A>T, p.Ser140Cys (NM_001127511.3, NM_001354897.2, NM_001354902.2 and 1 more transcripts); c.313A>T, p.Ser105Cys (NM_001354898.2, NM_001354904.2, NM_001407451.1); c.211A>T, p.Ser71Cys (NM_001354900.2, NM_001354901.2, NM_001354905.2 and 1 more transcripts); c.-648A>T (NM_001354906.2, NM_001407470.1, NM_001407471.1 and 1 more transcripts); c.388A>T (NM_000038.5); short protein forms S105C, S130C, S140C, S71C.
Identifiers: ClinVar variation 2676771 (VCV002676771.2), dbSNP rs150973053, ClinGen allele CA16022166.